The following is an entry in ClinVar:

ClinVar aggregate classification (germline): Uncertain significance (1 of 4 stars; one submission).

Conditions:
Early-infantile DEE. Also called: Early infantile epileptic encephalopathy; Ohtahara syndrome; Early infantile epileptic encephalopathy with suppression bursts. Identifiers: Orphanet 1934, MedGen C0393706, MONDO:0800491.

gnomAD v4.1: 5 of 1,611,744 alleles (0.00031%); highest among the groups gnomAD compares: East Asian, 0.011%; no homozygotes.

Submission:

Labcorp Genetics (formerly Invitae), Labcorp
Classification: Uncertain significance for Early-infantile DEE. Last evaluated: 2025-10-17. Review status: criteria provided, single submitter. Criteria: Invitae Variant Classification Sherloc (09022015). Collection method: clinical testing. Allele origin: germline.
Comment: This sequence change replaces threonine, which is neutral and polar, with serine, which is neutral and polar, at codon 772 of the ARHGEF15 protein (p.Thr772Ser). This variant is present in population databases (rs754196985, gnomAD 0.02%). This variant has not been reported in the literature in individuals affected with ARHGEF15-related conditions. An algorithm developed to predict the effect of missense changes on protein structure and function (PolyPhen-2) suggests that this variant is likely to be tolerated. In summary, the available evidence is currently insufficient to determine the role of this variant in disease. Therefore, it has been classified as a Variant of Uncertain Significance.

NM_173728.4(ARHGEF15):c.2315C>G (p.Thr772Ser)

Gene: ARHGEF15 (Rho guanine nucleotide exchange factor 15; plus strand). Cytogenetic location: 17p13.1.
Variant type: single nucleotide variant.
Coding change: c.2315C>G on transcript NM_173728.4 (MANE Select); coding-DNA position 2315, C replaced by G.
Protein change: p.Thr772Ser; replaces threonine 772 with serine.
Molecular consequence: missense variant.
Genome position (GRCh38, 1-based): chr17:8,319,544, C>G. VCF-style: chr17-8319544-C-G. GRCh37 (hg19) VCF-style: chr17-8222862-C-G.
Other names: c.2315C>G, p.Thr772Ser (NM_025014.2); short protein forms T772S.
Identifiers: ClinVar variation 4723658 (VCV004723658.1).